The following is an entry in ClinVar:

ClinVar aggregate classification (germline): Conflicting classifications of pathogenicity. Review status: criteria provided, conflicting classifications (1 of 4 stars). 16 submissions from 16 submitters: Uncertain significance (1); Benign (6); Likely benign (4). 5 of the submissions do not count toward it. Last evaluated 2026-04-01.

Conditions:
CLN5-related disorder. Also called: CLN5-related condition.
Inborn genetic diseases. Identifiers: MedGen C0950123, MeSH D030342.
Neuronal ceroid lipofuscinosis. Also called: Neuronal Ceroid Lipofuscinoses. Identifiers: Orphanet 216, Orphanet 79263, MedGen C0027877, MONDO:0016295. Disease mechanism: loss of function.
Neuronal ceroid lipofuscinosis 5 (CLN5). Also called: CLN5-Related Neuronal Ceroid-Lipofuscinosis; CEROID LIPOFUSCINOSIS, NEURONAL, 5, VARIABLE AGE AT ONSET; Neuronal ceroid lipofuscinosis Finnish variant; NEURONAL CEROID LIPOFUSCINOSIS, LATE INFANTILE, FINNISH VARIANT. Identifiers: Orphanet 168491, Orphanet 228360, MedGen C1850442, MONDO:0009745, OMIM 256731.

Allele frequency attached by ClinVar (database versions not stated): 1000 Genomes Project 30x 0.00016; 1000 Genomes Project 0.00060; gnomAD exomes 0.00106 and 0.00183; gnomAD 0.00116 and 0.00122; TOPMed 0.00134; ESP Exome Variant Server 0.00135; ExAC 0.00182.
gnomAD v4.1: 1,866 of 1,605,492 alleles (0.12%); highest among the groups gnomAD compares: Middle Eastern, 1.6%; 14 homozygotes.

Submissions (16):

CeGaT Center for Human Genetics Tuebingen
Classification: Benign. Last evaluated: 2026-04-01. Review status: criteria provided, single submitter. Criteria: CeGaT Center For Human Genetics Tuebingen Variant Classification Criteria Version 2. Collection method: clinical testing. Allele origin: germline. Affected: yes. Observed: 7 variant alleles.
Comment: CLN5: BS1, BS2

Labcorp Genetics (formerly Invitae), Labcorp
Classification: Benign for Neuronal ceroid lipofuscinosis. Last evaluated: 2026-02-03. Review status: criteria provided, single submitter. Criteria: Invitae Variant Classification Sherloc (09022015). Collection method: clinical testing. Allele origin: germline.

Athena Diagnostics
Classification: Benign. Last evaluated: 2025-02-26. Review status: criteria provided, single submitter. Criteria: Athena Diagnostics Criteria. Collection method: clinical testing. Allele origin: unknown.
Comment: The frequency of this variant in the general population is higher than would generally be expected for pathogenic variants in this gene.

Blueprint Genetics
Classification: Likely benign. Last evaluated: 2024-11-12. Review status: criteria provided, single submitter. Criteria: ACMG Guidelines, 2015. Collection method: clinical testing. Allele origin: germline.

Genome-Nilou Lab
Classification: Benign for Neuronal ceroid lipofuscinosis 5. Last evaluated: 2021-08-10. Review status: criteria provided, single submitter. Criteria: ACMG Guidelines, 2015. Collection method: clinical testing. Allele origin: germline. Affected: no.

Mendelics
Classification: Benign for Neuronal ceroid lipofuscinosis 1. Last evaluated: 2019-05-28. Review status: criteria provided, single submitter. Criteria: Mendelics Assertion Criteria 2017. Collection method: clinical testing. Allele origin: unknown.

SIB Swiss Institute of Bioinformatics
Classification: Likely benign for Neuronal ceroid lipofuscinosis 5. Last evaluated: 2018-10-15. Review status: criteria provided, single submitter. Criteria: ACMG Guidelines, 2015. Collection method: curation. Allele origin: germline.
Comment: This variant is interpreted as Likely Benign, for Ceroid lipofuscinosis, neuronal, 5, autosomal recessive. The following ACMG Tag(s) were applied: BS2 => Observed in a healthy adult individual for a recessive (homozygous), dominant (heterozygous), or X-linked (hemizygous) disorder, with full penetrance expected at an early age. BP4 => Multiple lines of computational evidence suggest no impact on gene or gene product (conservation, evolutionary, splicing impact, etc.).

Ambry Genetics
Classification: Likely benign for Inborn genetic diseases. Last evaluated: 2018-08-09. Review status: criteria provided, single submitter. Criteria: Ambry Variant Classification Scheme 2023. Collection method: clinical testing. Allele origin: germline.

Illumina Laboratory Services, Illumina
Classification: Uncertain significance for Neuronal ceroid lipofuscinosis 5. Last evaluated: 2017-04-27. Review status: criteria provided, single submitter. Criteria: ICSL Variant Classification Criteria 13 December 2019. Collection method: clinical testing. Allele origin: germline.

Eurofins Ntd Llc (ga)
Classification: Likely benign. Last evaluated: 2016-11-16. Review status: criteria provided, single submitter. Criteria: EGL Classification Definitions 2015. Collection method: clinical testing. Allele origin: germline. Observed: 1 variant allele, 1 homozygote.

GeneDx
Classification: Benign. Last evaluated: 2015-06-16. Review status: criteria provided, single submitter. Criteria: GeneDx Variant Classification (06012015). Collection method: clinical testing. Allele origin: germline. Affected: yes.
Comment: This variant is considered likely benign or benign based on one or more of the following criteria: it is a conservative change, it occurs at a poorly conserved position in the protein, it is predicted to be benign by multiple in silico algorithms, and/or has population frequency not consistent with disease.

Natera, Inc.
Classification: Benign for Neuronal ceroid lipofuscinosis 5. Last evaluated: 2020-04-16. Review status: no assertion criteria provided. Collection method: clinical testing. Allele origin: germline. Not counted in ClinVar's aggregate classification.

PreventionGenetics, part of Exact Sciences
Classification: Benign for CLN5-related condition. Last evaluated: 2019-07-22. Review status: no assertion criteria provided. Collection method: clinical testing. Allele origin: germline. Not counted in ClinVar's aggregate classification.
Comment: This variant is classified as benign based on ACMG/AMP sequence variant interpretation guidelines (Richards et al. 2015 PMID: 25741868, with internal and published modifications).

Clinical Genetics DNA and cytogenetics Diagnostics Lab, Erasmus MC, Erasmus Medical Center
Classification: Likely benign. Review status: no assertion criteria provided. Collection method: clinical testing. Allele origin: germline. Affected: yes. Study: VKGL Data-share Consensus. Not counted in ClinVar's aggregate classification.

Diagnostic Laboratory, Department of Genetics, University Medical Center Groningen
Classification: Likely benign. Review status: no assertion criteria provided. Collection method: clinical testing. Allele origin: germline. Affected: yes. Study: VKGL Data-share Consensus. Not counted in ClinVar's aggregate classification.

Genome Diagnostics Laboratory, Amsterdam University Medical Center
Classification: Likely benign. Review status: no assertion criteria provided. Collection method: clinical testing. Allele origin: germline. Affected: yes. Study: VKGL Data-share Consensus. Not counted in ClinVar's aggregate classification.

Literature cited by the submitters: PubMed 27069701 (cited by Athena Diagnostics and Ambry Genetics); PubMed 27884173 (cited by Athena Diagnostics and Ambry Genetics); PubMed 21990111 (cited by Athena Diagnostics and Ambry Genetics); PubMed 30919163 (cited by Athena Diagnostics); PubMed 32983231 (cited by Athena Diagnostics); PubMed 30264640 (cited by Athena Diagnostics); PubMed 33792748 (cited by Athena Diagnostics).

NM_006493.4(CLN5):c.76T>C (p.Trp26Arg)

Genes: CLN5 (CLN5 lysosomal BMP synthase; plus strand), LOC130009913 (ATAC-STARR-seq lymphoblastoid silent region 5414; plus strand). Cytogenetic location: 13q22.3.
Variant type: single nucleotide variant.
Coding change: c.76T>C on transcript NM_006493.4 (MANE Select); coding-DNA position 76, T replaced by C.
Protein change: p.Trp26Arg; replaces tryptophan 26 with arginine.
Molecular consequence: missense variant.
Genome position (GRCh38, 1-based): chr13:76,992,174, T>C. VCF-style: chr13-76992174-T-C. GRCh37 (hg19) VCF-style: chr13-77566309-T-C.
Other names: p.W75R:TGG>CGG; c.223T>C (LRG_692t1); c.76T>C, p.Trp26Arg (NM_001366624.2); short protein forms W26R.
Identifiers: ClinVar variation 205127 (VCV000205127.73), dbSNP rs199727787, ClinGen allele CA313867.
Genomic context (GRCh38, chr13:76,992,174, plus strand): 5'-GACACGGCACAGGGCGCCGAGATGCGGCGGGGCGCGGGCGCGGCTCGGGGACGCGCTTCC[T>C]GGTGCTGGGCCCTGGCGCTGCTTTGGCTCGCGGTGGTTCCGGGCTGGTCCCGGGTCTCGG-3'
Protein context (NP_006484.2, residues 16-36): GAGAARGRAS[Trp26Arg]CWALALLWLA